The following is an entry in ClinVar:

ClinVar aggregate classification (germline): Likely benign (1 of 4 stars; one submission).

Submission:

CeGaT Center for Human Genetics Tuebingen
Classification: Likely benign. Last evaluated: 2026-08-01. Review status: criteria provided, single submitter. Criteria: CeGaT Center For Human Genetics Tuebingen Variant Classification Criteria Version 2. Collection method: clinical testing. Allele origin: germline. Affected: yes. Observed: 1 variant allele.
Comment: DOCK4: PM2:Supporting, BP4, BP7

NM_001363540.2(DOCK4):c.1074A>T (p.Ala358=)

Gene: DOCK4 (dedicator of cytokinesis 4; minus strand). Cytogenetic location: 7q31.1.
Variant type: single nucleotide variant.
Coding change: c.1074A>T on transcript NM_001363540.2 (MANE Select); coding-DNA position 1074, A replaced by T.
Protein change: p.Ala358=; no amino-acid change (alanine 358 retained).
Molecular consequence: synonymous variant.
Genome position (GRCh38, 1-based): chr7:111,915,897, T>A on the plus strand (A>T on the coding strand, the complement: DOCK4 is on the minus strand). VCF-style: chr7-111915897-T-A. GRCh37 (hg19) VCF-style: chr7-111555952-T-A.
Other names: c.1074A>T, p.Ala358= (NM_014705.4).
Identifiers: ClinVar variation 5040428 (VCV005040428.1).